The following is an entry in ClinVar:

NM_004655.4(AXIN2):c.1233C>T (p.Leu411=)

Gene: AXIN2 (axin 2; minus strand). Cytogenetic location: 17q24.1.
Variant type: single nucleotide variant.
Coding change: c.1233C>T on transcript NM_004655.4 (MANE Select); coding-DNA position 1233, C replaced by T.
Protein change: p.Leu411=; no amino-acid change (leucine 411 retained).
Molecular consequence: synonymous variant.
Genome position (GRCh38, 1-based): chr17:65,537,803, G>A on the plus strand (C>T on the coding strand, the complement: AXIN2 is on the minus strand). VCF-style: chr17-65537803-G-A. GRCh37 (hg19) VCF-style: chr17-63533921-G-A.
Other names: c.1233C>T, p.Leu411= (NM_001363813.1).
Identifiers: ClinVar variation 1550761 (VCV001550761.11), dbSNP rs747555966, ClinGen allele CA501691373.

ClinVar aggregate classification (germline): Benign/Likely benign. Review status: criteria provided, multiple submitters, no conflicts (2 of 4 stars). 3 submissions from 3 submitters: Benign (1); Likely benign (2). Last evaluated 2025-08-17.

Conditions:
Hereditary cancer-predisposing syndrome. Also called: Neoplastic Syndromes, Hereditary; Hereditary Cancer Syndrome; Tumor predisposition; Hereditary neoplastic syndrome. Identifiers: Orphanet 140162, MedGen C0027672, MeSH D009386, MONDO:0015356.
Oligodontia-cancer predisposition syndrome. Also called: TOOTH AGENESIS-COLORECTAL CANCER SYNDROME. Identifiers: Orphanet 300576, MedGen C1837750, MONDO:0012075, OMIM 608615. Disease mechanism: loss of function.

Allele frequency attached by ClinVar (database versions not stated): gnomAD 0.00001.

Submissions (3):

Labcorp Genetics (formerly Invitae), Labcorp
Classification: Likely benign for Oligodontia-cancer predisposition syndrome. Last evaluated: 2025-08-17. Review status: criteria provided, single submitter. Criteria: Invitae Variant Classification Sherloc (09022015). Collection method: clinical testing. Allele origin: germline.

Myriad Genetics, Inc.
Classification: Benign for Oligodontia-cancer predisposition syndrome. Last evaluated: 2024-07-02. Review status: criteria provided, single submitter. Criteria: Myriad Autosomal Dominant, Autosomal Recessive and X-Linked Classification Criteria (2023). Collection method: clinical testing. Allele origin: unknown.
Comment: This variant is considered benign. This variant is a silent/synonymous amino acid change and it is not expected to impact splicing.

Ambry Genetics
Classification: Likely benign for Hereditary cancer-predisposing syndrome. Last evaluated: 2021-03-20. Review status: criteria provided, single submitter. Criteria: Ambry Variant Classification Scheme 2023. Collection method: clinical testing. Allele origin: germline.